The following is an entry in ClinVar:

NM_001040108.2(MLH3):c.3350A>G (p.Glu1117Gly)

Gene: MLH3 (mutL homolog 3; minus strand). Cytogenetic location: 14q24.3.
Variant type: single nucleotide variant.
Coding change: c.3350A>G on transcript NM_001040108.2 (MANE Select); coding-DNA position 3350, A replaced by G.
Protein change: p.Glu1117Gly; replaces glutamic acid 1117 with glycine.
Molecular consequence: missense variant.
Genome position (GRCh38, 1-based): chr14:75,042,408, T>C on the plus strand (A>G on the coding strand, the complement: MLH3 is on the minus strand). VCF-style: chr14-75042408-T-C. GRCh37 (hg19) VCF-style: chr14-75509111-T-C.
Other names: c.3350A>G, p.Glu1117Gly (NM_014381.3); short protein forms E1117G.
Identifiers: ClinVar variation 2448658 (VCV002448658.3), dbSNP rs1323457132, ClinGen allele CA390431799.
Genomic context (GRCh38, chr14:75,042,408, plus strand): 5'-TGTGTGCCCCAGCACTCTCTGCCACCCTTACCTCTGTTATCCTGTCTCATCACAGTCCTC[T>C]CTGCTCGAGCTCTCGGAAGGAAAGGAAGAACAAGGTCGCTTCTAAAAGGTTGACACCTGT-3'
Protein context (NP_001035197.1, residues 1107-1127): VLPFLPRARA[Glu1117Gly]RTVMRQDNRD

ClinVar aggregate classification (germline): Uncertain significance (1 of 4 stars; one submission).

Allele frequency attached by ClinVar (database versions not stated): TOPMed below 0.00001.

Submission:

Ambry Genetics
Classification: Uncertain significance. Last evaluated: 2025-05-08. Review status: criteria provided, single submitter. Criteria: Ambry Variant Classification Scheme 2023. Collection method: clinical testing. Allele origin: germline.
Comment: The p.E1117G variant (also known as c.3350A>G), located in coding exon 2 of the MLH3 gene, results from an A to G substitution at nucleotide position 3350. The glutamic acid at codon 1117 is replaced by glycine, an amino acid with similar properties. This amino acid position is conserved. In addition, the in silico prediction for this alteration is inconclusive. Since supporting evidence is limited at this time, the clinical significance of this alteration remains unclear.